The following is an entry in ClinVar:

NM_017654.4(SAMD9):c.3791T>C (p.Leu1264Ser)

Gene: SAMD9 (sterile alpha motif domain containing 9; minus strand). Cytogenetic location: 7q21.2.
Variant type: single nucleotide variant.
Coding change: c.3791T>C on transcript NM_017654.4 (MANE Select); coding-DNA position 3791, T replaced by C.
Protein change: p.Leu1264Ser; replaces leucine 1264 with serine.
Molecular consequence: missense variant.
Genome position (GRCh38, 1-based): chr7:93,102,307, A>G on the plus strand (T>C on the coding strand, the complement: SAMD9 is on the minus strand). VCF-style: chr7-93102307-A-G. GRCh37 (hg19) VCF-style: chr7-92731620-A-G.
Other names: c.3791T>C, p.Leu1264Ser (NM_001193307.2); short protein forms L1264S.
Identifiers: ClinVar variation 3949460 (VCV003949460.1).

ClinVar aggregate classification (germline): Uncertain significance (1 of 4 stars; one submission).

Conditions:
Inborn genetic diseases. Identifiers: MedGen C0950123, MeSH D030342.

Submission:

Ambry Genetics
Classification: Uncertain significance for Inborn genetic diseases. Last evaluated: 2025-03-20. Review status: criteria provided, single submitter. Criteria: Ambry Variant Classification Scheme 2023. Collection method: clinical testing. Allele origin: germline.
Comment: The p.L1264S variant (also known as c.3791T>C), located in coding exon 1 of the SAMD9 gene, results from a T to C substitution at nucleotide position 3791. The leucine at codon 1264 is replaced by serine, an amino acid with dissimilar properties. This amino acid position is conserved. In addition, the in silico prediction for this alteration is inconclusive. Based on the available evidence, the clinical significance of this variant remains unclear.